The following is an entry in ClinVar:

ClinVar aggregate classification (germline): Likely pathogenic (1 of 4 stars; one submission).

Allele frequency attached by ClinVar (database versions not stated): gnomAD exomes below 0.00001.
gnomAD v4.1: 1 of 1,614,172 alleles (0.000062%); highest among the groups gnomAD compares: Non-Finnish European, 0.000085%; no homozygotes.

Submission:

GeneDx
Classification: Likely pathogenic. Last evaluated: 2025-03-12. Review status: criteria provided, single submitter. Criteria: GeneDx Variant Classification Process June 2021. Collection method: clinical testing. Allele origin: germline.
Comment: Nonsense variant predicted to result in protein truncation, as the last 262 amino acids are lost, and other loss-of-function variants have been reported downstream in HGMD; Not observed at significant frequency in large population cohorts (gnomAD); Has not been previously published as pathogenic or benign to our knowledge

NM_013352.4(DSE):c.2091C>G (p.Tyr697Ter)

Gene: DSE (dermatan sulfate epimerase; plus strand). Cytogenetic location: 6q22.1.
Variant type: single nucleotide variant.
Coding change: c.2091C>G on transcript NM_013352.4 (MANE Select); coding-DNA position 2091, C replaced by G.
Protein change: p.Tyr697Ter; replaces tyrosine 697 with a stop codon.
Molecular consequence: nonsense. On other transcripts: 3 prime UTR variant (2), non-coding transcript variant (1).
Genome position (GRCh38, 1-based): chr6:116,436,559, C>G. VCF-style: chr6-116436559-C-G. GRCh37 (hg19) VCF-style: chr6-116757722-C-G.
Other names: c.2091C>G, p.Tyr697Ter (NM_001080976.3, NM_001322937.2, NM_001322938.2); c.2148C>G, p.Tyr716Ter (NM_001322939.2); c.1530C>G, p.Tyr510Ter (NM_001322940.2, NM_001322941.2); c.*956C>G (NM_001322943.2, NM_001322944.2); c.1092C>G, p.Tyr364Ter (NM_001374520.1); c.1056C>G, p.Tyr352Ter (NM_001374521.1); short protein forms Y352*, Y364*, Y510*, Y697*, Y716*.
Identifiers: ClinVar variation 2576809 (VCV002576809.2), dbSNP rs2482304968, ClinGen allele CA365406474.